The following is an entry in ClinVar:

ClinVar aggregate classification (germline): Uncertain significance. Review status: criteria provided, multiple submitters, no conflicts (2 of 4 stars). 2 submissions from 2 submitters: Uncertain significance (2). Last evaluated 2025-08-09.

gnomAD v4.1: 1 of 1,613,826 alleles (0.000062%); highest among the groups gnomAD compares: Non-Finnish European, 0.000085%; no homozygotes.

Submissions (2):

Ambry Genetics
Classification: Uncertain significance. Last evaluated: 2025-08-09. Review status: criteria provided, single submitter. Criteria: Ambry Variant Classification Scheme 2023. Collection method: clinical testing. Allele origin: germline.
Comment: The p.D609N variant (also known as c.1825G>A), located in coding exon 13 of the GEN1 gene, results from a G to A substitution at nucleotide position 1825. The aspartic acid at codon 609 is replaced by asparagine, an amino acid with highly similar properties. This amino acid position is conserved. In addition, this alteration is predicted to be tolerated by in silico analysis. Based on the available evidence, the clinical significance of this variant remains unclear.

Labcorp Genetics (formerly Invitae), Labcorp
Classification: Uncertain significance. Last evaluated: 2025-03-26. Review status: criteria provided, single submitter. Criteria: Invitae Variant Classification Sherloc (09022015). Collection method: clinical testing. Allele origin: germline.
Comment: This sequence change replaces aspartic acid, which is acidic and polar, with asparagine, which is neutral and polar, at codon 609 of the GEN1 protein (p.Asp609Asn). This variant is not present in population databases (gnomAD no frequency). This variant has not been reported in the literature in individuals affected with GEN1-related conditions. An algorithm developed to predict the effect of missense changes on protein structure and function outputs the following: PolyPhen-2: "Benign". The asparagine amino acid residue is found in multiple mammalian species, which suggests that this missense change does not adversely affect protein function. In summary, the available evidence is currently insufficient to determine the role of this variant in disease. Therefore, it has been classified as a Variant of Uncertain Significance.

NM_001130009.3(GEN1):c.1825G>A (p.Asp609Asn)

Gene: GEN1 (GEN1 structure-specific endonuclease; plus strand). Cytogenetic location: 2p24.2.
Variant type: single nucleotide variant.
Coding change: c.1825G>A on transcript NM_001130009.3 (MANE Select); coding-DNA position 1825, G replaced by A.
Protein change: p.Asp609Asn; replaces aspartic acid 609 with asparagine.
Molecular consequence: missense variant.
Genome position (GRCh38, 1-based): chr2:17,781,037, G>A. VCF-style: chr2-17781037-G-A. GRCh37 (hg19) VCF-style: chr2-17962304-G-A.
Other names: c.1825G>A, p.Asp609Asn (NM_182625.5); short protein forms D609N.
Identifiers: ClinVar variation 4263070 (VCV004263070.2).